The following is an entry in ClinVar:

NM_001127222.2(CACNA1A):c.6599G>A (p.Gly2200Asp)

Gene: CACNA1A (calcium voltage-gated channel subunit alpha1 A; minus strand). Cytogenetic location: 19p13.13.
Variant type: single nucleotide variant.
Coding change: c.6599G>A on transcript NM_001127222.2 (MANE Select); coding-DNA position 6599, G replaced by A.
Protein change: p.Gly2200Asp; replaces glycine 2200 with aspartic acid.
Molecular consequence: missense variant.
Genome position (GRCh38, 1-based): chr19:13,208,937, C>T on the plus strand (G>A on the coding strand, the complement: CACNA1A is on the minus strand). VCF-style: chr19-13208937-C-T. GRCh37 (hg19) VCF-style: chr19-13319751-C-T.
Other names: c.6617G>A, p.Gly2206Asp (NM_000068.4, NM_023035.3); c.6602G>A, p.Gly2201Asp (NM_001127221.2); c.6608G>A, p.Gly2203Asp (NM_001174080.2); short protein forms G2200D, G2201D, G2203D, G2206D.
Identifiers: ClinVar variation 1308999 (VCV001308999.2), dbSNP rs1163864338, ClinGen allele CA404330545.

ClinVar aggregate classification (germline): Uncertain significance (1 of 4 stars; one submission).

Allele frequency attached by ClinVar (database versions not stated): gnomAD 0.00001.
gnomAD v4.1: 1 of 1,537,406 alleles (0.000065%); highest among the groups gnomAD compares: Non-Finnish European, 0.000087%; no homozygotes.

Submission:

GeneDx
Classification: Uncertain significance. Last evaluated: 2019-10-05. Review status: criteria provided, single submitter. Criteria: GeneDx Variant Classification Process June 2021. Collection method: clinical testing. Allele origin: germline. Affected: yes.
Comment: Not observed in large population cohorts (Lek et al., 2016); In silico analysis, which includes protein predictors and evolutionary conservation, supports a deleterious effect; Has not been previously published as pathogenic or benign to our knowledge